The following is an entry in ClinVar:

ClinVar aggregate classification (germline): Benign. Review status: criteria provided, multiple submitters, no conflicts (2 of 4 stars). 9 submissions from 9 submitters: Benign (7). 2 of the submissions do not count toward it. Last evaluated 2026-02-03.

Conditions:
Progressive familial heart block type IB (PFHB1B). Identifiers: Orphanet 871, MedGen C1970298, MONDO:0011474, OMIM 604559.
Cardiovascular phenotype. Identifiers: MedGen CN230736.

Allele frequency attached by ClinVar (database versions not stated): gnomAD exomes 0.00279 and 0.00672; ExAC 0.00804; 1000 Genomes Project 0.02376; 1000 Genomes Project 30x 0.02514; gnomAD 0.02522 and 0.02710; TOPMed 0.02872; ESP Exome Variant Server 0.02906.
gnomAD v4.1: 8,112 of 1,613,914 alleles (0.5%); highest among the groups gnomAD compares: African/African-American, 8.8%; 326 homozygotes.

Submissions (9):

Labcorp Genetics (formerly Invitae), Labcorp
Classification: Benign for Progressive familial heart block type IB. Last evaluated: 2026-02-03. Review status: criteria provided, single submitter. Criteria: Invitae Variant Classification Sherloc (09022015). Collection method: clinical testing. Allele origin: germline.

Molecular Diagnostic Laboratory for Inherited Cardiovascular Disease, Montreal Heart Institute
Classification: Benign. Last evaluated: 2025-04-09. Review status: criteria provided, single submitter. Criteria: ACMG Guidelines, 2015. Collection method: clinical testing. Allele origin: germline. Affected: no.

Women's Health and Genetics/Laboratory Corporation of America, LabCorp
Classification: Benign. Last evaluated: 2024-02-05. Review status: criteria provided, single submitter. Criteria: LabCorp Variant Classification Summary - May 2015. Collection method: clinical testing. Allele origin: germline.

Illumina Laboratory Services, Illumina
Classification: Benign for Progressive familial heart block type IB. Last evaluated: 2018-01-12. Review status: criteria provided, single submitter. Criteria: ICSL Variant Classification Criteria 13 December 2019. Collection method: clinical testing. Allele origin: germline.
Comment: This variant was observed in the ICSL laboratory as part of a predisposition screen in an ostensibly healthy population. It had not been previously curated by ICSL or reported in the Human Gene Mutation Database (HGMD: prior to June 1st, 2018), and was therefore a candidate for classification through an automated scoring system. Utilizing variant allele frequency, disease prevalence and penetrance estimates, and inheritance mode, an automated score was calculated to assess if this variant is too frequent to cause the disease. Based on the score and internal cut-off values, a variant classified as benign is not then subjected to further curation. The score for this variant resulted in a classification of benign for this disease.

GeneDx
Classification: Benign. Last evaluated: 2016-10-10. Review status: criteria provided, single submitter. Criteria: GeneDx Variant Classification (06012015). Collection method: clinical testing. Allele origin: germline. Affected: yes.
Comment: This variant is considered likely benign or benign based on one or more of the following criteria: it is a conservative change, it occurs at a poorly conserved position in the protein, it is predicted to be benign by multiple in silico algorithms, and/or has population frequency not consistent with disease.

Ambry Genetics
Classification: Benign for Cardiovascular phenotype. Last evaluated: 2015-06-26. Review status: criteria provided, single submitter. Criteria: Ambry Variant Classification Scheme 2023. Collection method: clinical testing. Allele origin: germline.

Breakthrough Genomics
Classification: Benign. Review status: criteria provided, single submitter. Criteria: ACMG Guidelines, 2015. Collection method: not provided. Allele origin: germline. Inheritance: Autosomal dominant inheritance. Affected: yes.

Clinical Genetics, Academic Medical Center
Classification: Benign. Review status: no assertion criteria provided. Collection method: clinical testing. Allele origin: germline. Affected: yes. Study: VKGL Data-share Consensus. Not counted in ClinVar's aggregate classification.

Joint Genome Diagnostic Labs from Nijmegen and Maastricht, Radboudumc and MUMC+
Classification: Benign. Review status: no assertion criteria provided. Collection method: clinical testing. Allele origin: germline. Affected: yes. Study: VKGL Data-share Consensus. Not counted in ClinVar's aggregate classification.

NM_017636.4(TRPM4):c.3024G>A (p.Ala1008=)

Gene: TRPM4 (transient receptor potential cation channel subfamily M member 4; plus strand). Cytogenetic location: 19q13.33.
Variant type: single nucleotide variant.
Coding change: c.3024G>A on transcript NM_017636.4 (MANE Select); coding-DNA position 3024, G replaced by A.
Protein change: p.Ala1008=; no amino-acid change (alanine 1008 retained).
Molecular consequence: synonymous variant.
Genome position (GRCh38, 1-based): chr19:49,202,034, G>A. VCF-style: chr19-49202034-G-A. GRCh37 (hg19) VCF-style: chr19-49705291-G-A.
Other names: c.2589G>A, p.Ala863= (NM_001195227.2); c.2679G>A, p.Ala893= (NM_001321281.2); c.1416G>A, p.Ala472= (NM_001321282.2); c.2502G>A, p.Ala834= (NM_001321283.2); c.1962G>A, p.Ala654= (NM_001321285.2).
Identifiers: ClinVar variation 329871 (VCV000329871.26), dbSNP rs35145363, ClinGen allele CA9569748.